The following is an entry in ClinVar:

NM_007194.4(CHEK2):c.265A>C (p.Thr89Pro)

Gene: CHEK2 (checkpoint kinase 2; minus strand). Cytogenetic location: 22q12.1.
Variant type: single nucleotide variant.
Coding change: c.265A>C on transcript NM_007194.4 (MANE Select); coding-DNA position 265, A replaced by C.
Protein change: p.Thr89Pro; replaces threonine 89 with proline.
Molecular consequence: missense variant.
Genome position (GRCh38, 1-based): chr22:28,734,457, T>G on the plus strand (A>C on the coding strand, the complement: CHEK2 is on the minus strand). VCF-style: chr22-28734457-T-G. GRCh37 (hg19) VCF-style: chr22-29130445-T-G.
Other names: c.265A>C, p.Thr89Pro (NM_001005735.3, NM_001349956.3, NM_145862.3); c.-513A>C (NM_001257387.3); short protein forms T89P.
Identifiers: ClinVar variation 2427867 (VCV002427867.6), dbSNP rs2146145459, ClinGen allele CA411090484.

ClinVar aggregate classification (germline): Uncertain significance (1 of 4 stars; one submission).

Conditions:
Familial cancer of breast. Also called: Hereditary breast cancer; BREAST CANCER, FAMILIAL; hereditary breast carcinoma. Identifiers: Orphanet 227535, MedGen C0346153, MONDO:0016419, OMIM 114480. Disease mechanism: loss of function.

Allele frequency attached by ClinVar (database versions not stated): gnomAD exomes below 0.00001.
gnomAD v4.1: 1 of 1,613,852 alleles (0.000062%); highest among the groups gnomAD compares: East Asian, 0.0022%; no homozygotes.

Submission:

Labcorp Genetics (formerly Invitae), Labcorp
Classification: Uncertain significance for Familial cancer of breast. Last evaluated: 2024-03-20. Review status: criteria provided, single submitter. Criteria: Invitae Variant Classification Sherloc (09022015). Collection method: clinical testing. Allele origin: germline.
Comment: This sequence change replaces threonine, which is neutral and polar, with proline, which is neutral and non-polar, at codon 89 of the CHEK2 protein (p.Thr89Pro). This variant is not present in population databases (gnomAD no frequency). This variant has not been reported in the literature in individuals affected with CHEK2-related conditions. ClinVar contains an entry for this variant (Variation ID: 2427867). An algorithm developed to predict the effect of missense changes on protein structure and function (PolyPhen-2) suggests that this variant is likely to be tolerated. In summary, the available evidence is currently insufficient to determine the role of this variant in disease. Therefore, it has been classified as a Variant of Uncertain Significance.